The following is an entry in ClinVar:

ClinVar aggregate classification (germline): Uncertain significance. Review status: criteria provided, multiple submitters, no conflicts (2 of 4 stars). 3 submissions from 3 submitters: Uncertain significance (3). Last evaluated 2025-02-05.

Conditions:
Combined immunodeficiency due to MALT1 deficiency. Also called: Immunodeficiency 12. Identifiers: Orphanet 397964, MedGen C3809583, MONDO:0014197, OMIM 615468.
Inborn genetic diseases. Identifiers: MedGen C0950123, MeSH D030342.

Allele frequency attached by ClinVar (database versions not stated): gnomAD 0.00015 and 0.00016; TOPMed 0.00016; 1000 Genomes Project 30x 0.00031; 1000 Genomes Project 0.00040.
gnomAD v4.1: 34 of 1,255,616 alleles (0.0027%); highest among the groups gnomAD compares: African/African-American, 0.045%; no homozygotes.

Submissions (3):

Ambry Genetics
Classification: Uncertain significance for Inborn genetic diseases. Last evaluated: 2025-02-05. Review status: criteria provided, single submitter. Criteria: Ambry Variant Classification Scheme 2023. Collection method: clinical testing. Allele origin: germline.

Labcorp Genetics (formerly Invitae), Labcorp
Classification: Uncertain significance for Combined immunodeficiency due to MALT1 deficiency. Last evaluated: 2024-01-08. Review status: criteria provided, single submitter. Criteria: Invitae Variant Classification Sherloc (09022015). Collection method: clinical testing. Allele origin: germline.
Comment: This sequence change replaces leucine, which is neutral and non-polar, with valine, which is neutral and non-polar, at codon 45 of the MALT1 protein (p.Leu45Val). This variant is present in population databases (rs549192343, gnomAD 0.03%). This variant has not been reported in the literature in individuals affected with MALT1-related conditions. ClinVar contains an entry for this variant (Variation ID: 1031677). An algorithm developed to predict the effect of missense changes on protein structure and function (PolyPhen-2) suggests that this variant¬†is likely to be tolerated. In summary, the available evidence is currently insufficient to determine the role of this variant in disease. Therefore, it has been classified as a Variant of Uncertain Significance.

Baylor Genetics
Classification: Uncertain significance for Combined immunodeficiency due to MALT1 deficiency. Last evaluated: 2018-02-06. Review status: criteria provided, single submitter. Criteria: ACMG Guidelines, 2015. Collection method: clinical testing. Allele origin: unknown. Affected: yes.
Comment: This variant was determined to be of uncertain significance according to ACMG Guidelines, 2015 [PMID:25741868].

NM_006785.4(MALT1):c.133C>G (p.Leu45Val)

Genes: MALT1 (MALT1 paracaspase; plus strand), MALT1-AS1 (MALT1 antisense RNA 1; minus strand), LOC130062586 (ATAC-STARR-seq lymphoblastoid silent region 9487; plus strand). Cytogenetic location: 18q21.32.
Variant type: single nucleotide variant.
Coding change: c.133C>G on transcript NM_006785.4 (MANE Select); coding-DNA position 133, C replaced by G.
Protein change: p.Leu45Val; replaces leucine 45 with valine.
Molecular consequence: missense variant. On other transcripts: non-coding transcript variant (1).
Genome position (GRCh38, 1-based): chr18:58,671,776, C>G. VCF-style: chr18-58671776-C-G. GRCh37 (hg19) VCF-style: chr18-56339008-C-G.
Other names: c.133C>G, p.Leu45Val (NM_173844.3); short protein forms L45V.
Identifiers: ClinVar variation 1031677 (VCV001031677.7), dbSNP rs549192343, ClinGen allele CA300934684.
Genomic context (GRCh38, chr18:58,671,776, plus strand): 5'-CCGGCCGGCGCGACCCTCAACCGCCTGCGGGAGCCGCTGCTGCGGAGGCTCAGCGAGCTC[C>G]TGGATCAGGCGCCCGAGGGCCGGGGCTGGAGGAGACTGGCGGAGCTGGCGGGGAGTCGCG-3'
Protein context (NP_006776.1, residues 35-55): EPLLRRLSEL[Leu45Val]DQAPEGRGWR